The following is an entry in ClinVar:

NM_001368882.1(COL13A1):c.2144T>A (p.Leu715Ter)

Gene: COL13A1 (collagen type XIII alpha 1 chain; plus strand). Cytogenetic location: 10q22.1.
Variant type: single nucleotide variant.
Coding change: c.2144T>A on transcript NM_001368882.1 (MANE Select); coding-DNA position 2144, T replaced by A.
Protein change: p.Leu715Ter; replaces leucine 715 with a stop codon.
Molecular consequence: nonsense. On other transcripts: intron variant (7).
Genome position (GRCh38, 1-based): chr10:69,952,967, T>A. VCF-style: chr10-69952967-T-A. GRCh37 (hg19) VCF-style: chr10-71712723-T-A.
Other names: c.2111T>A, p.Leu704Ter (NM_001130103.2); c.2000T>A, p.Leu667Ter (NM_001320951.2); c.1958T>A, p.Leu653Ter (NM_001368884.1); c.1931T>A, p.Leu644Ter (NM_001368895.1); c.1895T>A, p.Leu632Ter (NM_080798.4); c.2018T>A, p.Leu673Ter (NM_080800.4); c.2045T>A, p.Leu682Ter (NM_080801.4); c.1964T>A, p.Leu655Ter (NM_080802.4); and 7 more; short protein forms L644*, L673*, L682*, L704*, L632*, L653*, L655*, L667*.
Identifiers: ClinVar variation 1480275 (VCV001480275.6), dbSNP rs2136334567, ClinGen allele CA376937107.
Genomic context (GRCh38, chr10:69,952,967, plus strand): 5'-GAGGGCCTAAAGGGGATAAGGGAGACCAAGGAGCGCCTGGATTAGATGCCCCCTGCCCAT[T>A]GGTATGTTTTTGTTTATCACTTGCATTGTTCTGGTTTTTGTTCTTGAGGTTTGTAAGTTG-3'

ClinVar aggregate classification (germline): Uncertain significance (1 of 4 stars; one submission).

Submission:

Labcorp Genetics (formerly Invitae), Labcorp
Classification: Uncertain significance. Last evaluated: 2021-10-09. Review status: criteria provided, single submitter. Criteria: Invitae Variant Classification Sherloc (09022015). Collection method: clinical testing. Allele origin: germline.
Comment: In summary, the available evidence is currently insufficient to determine the role of this variant in disease. Therefore, it has been classified as a Variant of Uncertain Significance. Algorithms developed to predict the effect of sequence changes on RNA splicing suggest that this variant may create or strengthen a splice site. This variant has not been reported in the literature in individuals affected with COL13A1-related conditions. This variant is not present in population databases (ExAC no frequency). This sequence change creates a premature translational stop signal (p.Leu704*) in the COL13A1 gene. While this is not anticipated to result in nonsense mediated decay, it is expected to disrupt the last 14 amino acid(s) of the COL13A1 protein.